The following is an entry in ClinVar:

ClinVar aggregate classification (germline): Uncertain significance (1 of 4 stars; one submission).

Submission:

GeneDx
Classification: Uncertain significance. Last evaluated: 2022-12-13. Review status: criteria provided, single submitter. Criteria: GeneDx Variant Classification Process June 2021. Collection method: clinical testing. Allele origin: germline. Affected: yes.
Comment: Not observed at significant frequency in large population cohorts (gnomAD); In silico analysis supports a deleterious effect on splicing; Has not been previously published as pathogenic or benign to our knowledge; Variants in candidate genes are classified as variants of uncertain significance in accordance with ACMG guidelines (Richards et al., 2015)

NM_001128.6(AP1G1):c.1498-3C>G

Gene: AP1G1 (adaptor related protein complex 1 subunit gamma 1; minus strand). Cytogenetic location: 16q22.2.
Variant type: single nucleotide variant.
Coding change: c.1498-3C>G on transcript NM_001128.6 (MANE Select); 3 bases into the intron before coding-DNA position 1498, C replaced by G.
Molecular consequence: intron variant.
Genome position (GRCh38, 1-based): chr16:71,748,381, G>C on the plus strand (C>G on the coding strand, the complement: AP1G1 is on the minus strand). VCF-style: chr16-71748381-G-C. GRCh37 (hg19) VCF-style: chr16-71782284-G-C.
Other names: c.1507-3C>G (NM_001030007.2).
Identifiers: ClinVar variation 3342739 (VCV003342739.1).